The following is an entry in ClinVar:

NM_001148.6(ANK2):c.4295A>G (p.Lys1432Arg)

Gene: ANK2 (ankyrin 2; plus strand). Cytogenetic location: 4q26.
Variant type: single nucleotide variant.
Coding change: c.4295A>G on transcript NM_001148.6 (MANE Select); coding-DNA position 4295, A replaced by G.
Protein change: p.Lys1432Arg; replaces lysine 1432 with arginine.
Molecular consequence: missense variant.
Genome position (GRCh38, 1-based): chr4:113,345,946, A>G. VCF-style: chr4-113345946-A-G. GRCh37 (hg19) VCF-style: chr4-114267102-A-G.
Other names: c.4268A>G, p.Lys1423Arg (NM_001127493.3); c.4307A>G, p.Lys1436Arg (NM_001354225.2); c.4196A>G, p.Lys1399Arg (NM_001354228.2, NM_001354258.2); c.4274A>G, p.Lys1425Arg (NM_001354230.2); c.4337A>G, p.Lys1446Arg (NM_001354231.2, NM_001354242.2); c.4331A>G, p.Lys1444Arg (NM_001354232.2); c.4292A>G, p.Lys1431Arg (NM_001354235.2, NM_001354246.2, NM_001354265.2); c.4193A>G, p.Lys1398Arg (NM_001354236.2); and 31 more; short protein forms K1271R, K1304R, K1332R, K1337R, K1345R, K1357R, K1361R, K1365R.
Identifiers: ClinVar variation 1004781 (VCV001004781.5), dbSNP rs2094800597, ClinGen allele CA357913198.

ClinVar aggregate classification (germline): Uncertain significance (1 of 4 stars; one submission).

Conditions:
Long QT syndrome (LQTS). Identifiers: MedGen C0023976, MeSH D008133, MONDO:0002442. Disease mechanism: loss of function. Inheritance: Various modes of inheritance.

Submission:

Labcorp Genetics (formerly Invitae), Labcorp
Classification: Uncertain significance for Long QT syndrome. Last evaluated: 2022-03-18. Review status: criteria provided, single submitter. Criteria: Invitae Variant Classification Sherloc (09022015). Collection method: clinical testing. Allele origin: germline.
Comment: This sequence change replaces lysine, which is basic and polar, with arginine, which is basic and polar, at codon 1432 of the ANK2 protein (p.Lys1432Arg). Algorithms developed to predict the effect of missense changes on protein structure and function (SIFT, PolyPhen-2, Align-GVGD) all suggest that this variant is likely to be disruptive. In summary, the available evidence is currently insufficient to determine the role of this variant in disease. Therefore, it has been classified as a Variant of Uncertain Significance. This variant is not present in population databases (gnomAD no frequency). This variant has not been reported in the literature in individuals affected with ANK2-related conditions. ClinVar contains an entry for this variant (Variation ID: 1004781).